The following is an entry in ClinVar:

NM_133510.4(RAD51B):c.443G>A (p.Ser148Asn)

Gene: RAD51B (RAD51 paralog B; plus strand). Cytogenetic location: 14q24.1.
Variant type: single nucleotide variant.
Coding change: c.443G>A on transcript NM_133510.4 (MANE Select); coding-DNA position 443, G replaced by A.
Protein change: p.Ser148Asn; replaces serine 148 with asparagine.
Molecular consequence: missense variant.
Genome position (GRCh38, 1-based): chr14:67,865,130, G>A. VCF-style: chr14-67865130-G-A. GRCh37 (hg19) VCF-style: chr14-68331847-G-A.
Other names: c.443G>A, p.Ser148Asn (NM_001321809.2, NM_001321810.2, NM_001321812.1 and 6 more transcripts); c.329G>A, p.Ser110Asn (NM_001321815.1); c.86G>A, p.Ser29Asn (NM_001321817.2); short protein forms S110N, S148N, S29N.
Identifiers: ClinVar variation 3429629 (VCV003429629.1).

ClinVar aggregate classification (germline): Uncertain significance (1 of 4 stars; one submission).

gnomAD v4.1: 4 of 1,592,562 alleles (0.00025%); highest among the groups gnomAD compares: Non-Finnish European, 0.000085%; no homozygotes.

Submission:

Ambry Genetics
Classification: Uncertain significance. Last evaluated: 2024-11-20. Review status: criteria provided, single submitter. Criteria: Ambry Variant Classification Scheme 2023. Collection method: clinical testing. Allele origin: germline.
Comment: The p.S148N variant (also known as c.443G>A), located in coding exon 4 of the RAD51B gene, results from a G to A substitution at nucleotide position 443. The serine at codon 148 is replaced by asparagine, an amino acid with highly similar properties. This amino acid position is conserved. In addition, this alteration is predicted to be tolerated by in silico analysis. Based on the available evidence, the clinical significance of this variant remains unclear.